The following is an entry in ClinVar:

NM_000465.4(BARD1):c.1789_1792del (p.Tyr597fs)

Gene: BARD1 (BRCA1 associated RING domain 1; minus strand). Cytogenetic location: 2q35.
Variant type: Deletion.
Coding change: c.1789_1792del on transcript NM_000465.4 (MANE Select); coding-DNA positions 1789 to 1792, 4 bases deleted (TATA; older notation c.1789_1792delTATA).
Protein change: p.Tyr597fs; shifts the reading frame from tyrosine 597.
Molecular consequence: frameshift variant. On other transcripts: non-coding transcript variant (3), intron variant (1).
Genome position (GRCh38, 1-based): chr2:214,745,740-214,745,743, TATA deleted on the plus strand (TATA on the coding strand, the reverse complement: BARD1 is on the minus strand); deleting any 4 consecutive bases within chr2:214,745,740-214,745,744 gives the same sequence; the c. name uses the placement nearest the transcript's 3' end. VCF-style (leftmost placement, unchanged base first): chr2-214745739-GTATA-G. GRCh37 (hg19) VCF-style: chr2-215610463-GTATA-G.
Other names: c.1732_1735del, p.Tyr578fs (NM_001282543.2); c.436_439del, p.Tyr146fs (NM_001282545.2); c.379_382del, p.Tyr127fs (NM_001282548.2); c.365-15235_365-15232del (NM_001282549.2); short protein forms Y146fs, Y127fs, Y578fs, Y597fs.
Identifiers: ClinVar variation 2087937 (VCV002087937.6), dbSNP rs2469342130, ClinGen allele CA2577234305.
Genomic context (GRCh38, chr2:214,745,739, plus strand): 5'-TAACATTTTTTCTACCCCACCTCCCAAAATTCAAAATCCTCACCTGTACTGTCAAACTCA[GTATA>G]TTTTTTAGCCTTAAGAATTACTGCAAGCTCACTGAGCATTTTCTGTTGTTCTGAAGACAG-3'

ClinVar aggregate classification (germline): Pathogenic. Review status: criteria provided, multiple submitters, no conflicts (2 of 4 stars). 2 submissions from 2 submitters: Pathogenic (2). Last evaluated 2023-05-24.

Conditions:
Familial cancer of breast. Also called: hereditary breast carcinoma; BREAST CANCER, FAMILIAL; Hereditary breast cancer. Identifiers: Orphanet 227535, MedGen C0346153, MONDO:0016419, OMIM 114480. Disease mechanism: loss of function.

Submissions (2):

Myriad Genetics, Inc.
Classification: Pathogenic for Familial cancer of breast. Last evaluated: 2023-05-24. Review status: criteria provided, single submitter. Criteria: Myriad Autosomal Dominant, Autosomal Recessive and X-Linked Classification Criteria (2023). Collection method: clinical testing. Allele origin: unknown.
Comment: This variant is considered pathogenic. This variant creates a frameshift predicted to result in premature protein truncation.

Labcorp Genetics (formerly Invitae), Labcorp
Classification: Pathogenic for Familial cancer of breast. Last evaluated: 2022-09-30. Review status: criteria provided, single submitter. Criteria: Invitae Variant Classification Sherloc (09022015). Collection method: clinical testing. Allele origin: germline.
Comment: For these reasons, this variant has been classified as Pathogenic. This variant has not been reported in the literature in individuals affected with BARD1-related conditions. This variant is not present in population databases (gnomAD no frequency). This sequence change creates a premature translational stop signal (p.Tyr597Leufs*7) in the BARD1 gene. It is expected to result in an absent or disrupted protein product. Loss-of-function variants in BARD1 are known to be pathogenic (PMID: 20077502, 21344236).

Literature cited by the submitters: PubMed 20077502 (cited by Labcorp Genetics (formerly Invitae), Labcorp); PubMed 21344236 (cited by Labcorp Genetics (formerly Invitae), Labcorp).